The following is an entry in ClinVar:

NM_001042413.2(GLIS3):c.2753G>A (p.Arg918His)

Gene: GLIS3 (GLIS family zinc finger 3; minus strand). Cytogenetic location: 9p24.2.
Variant type: single nucleotide variant.
Coding change: c.2753G>A on transcript NM_001042413.2 (MANE Select); coding-DNA position 2753, G replaced by A.
Protein change: p.Arg918His; replaces arginine 918 with histidine.
Molecular consequence: missense variant.
Genome position (GRCh38, 1-based): chr9:3,828,312, C>T on the plus strand (G>A on the coding strand, the complement: GLIS3 is on the minus strand). VCF-style: chr9-3828312-C-T. GRCh37 (hg19) VCF-style: chr9-3828312-C-T.
Other names: c.2288G>A, p.Arg763His (NM_152629.4); short protein forms R763H, R918H.
Identifiers: ClinVar variation 913194 (VCV000913194.10), dbSNP rs147357710, ClinGen allele CA4967641.

ClinVar aggregate classification (germline): Uncertain significance. Review status: criteria provided, multiple submitters, no conflicts (2 of 4 stars). 3 submissions from 3 submitters: Uncertain significance (3). Last evaluated 2024-04-26.

Conditions:
Neonatal diabetes mellitus with congenital hypothyroidism. Also called: NDH SYNDROME. Identifiers: Orphanet 79118, MedGen C1857775, MONDO:0012436, OMIM 610199.

Allele frequency attached by ClinVar (database versions not stated): TOPMed 0.00007; ESP Exome Variant Server 0.00008; gnomAD 0.00009 and 0.00013; ExAC 0.00010; gnomAD exomes 0.00014; 1000 Genomes Project 30x 0.00031; 1000 Genomes Project 0.00040.
gnomAD v4.1: 284 of 1,613,438 alleles (0.018%); highest among the groups gnomAD compares: East Asian, 0.42%; 1 homozygote.

Submissions (3):

Fulgent Genetics
Classification: Uncertain significance for Neonatal diabetes mellitus with congenital hypothyroidism. Last evaluated: 2024-04-26. Review status: criteria provided, single submitter. Criteria: ACMG Guidelines, 2015. Collection method: clinical testing. Allele origin: germline.

Labcorp Genetics (formerly Invitae), Labcorp
Classification: Uncertain significance. Last evaluated: 2021-01-01. Review status: criteria provided, single submitter. Criteria: Invitae Variant Classification Sherloc (09022015). Collection method: clinical testing. Allele origin: germline.
Comment: In summary, the available evidence is currently insufficient to determine the role of this variant in disease. Therefore, it has been classified as a Variant of Uncertain Significance. Algorithms developed to predict the effect of missense changes on protein structure and function are either unavailable or do not agree on the potential impact of this missense change (SIFT: "Deleterious"; PolyPhen-2: "Probably Damaging"; Align-GVGD: "Class C0"). This variant has not been reported in the literature in individuals with GLIS3-related conditions. ClinVar contains an entry for this variant (Variation ID: 913194). This variant is present in population databases (rs147357710, ExAC 0.05%). This sequence change replaces arginine with histidine at codon 763 of the GLIS3 protein (p.Arg763His). The arginine residue is highly conserved and there is a small physicochemical difference between arginine and histidine.

Illumina Laboratory Services, Illumina
Classification: Uncertain significance for Neonatal diabetes mellitus with congenital hypothyroidism. Last evaluated: 2018-01-12. Review status: criteria provided, single submitter. Criteria: ICSL Variant Classification Criteria 13 December 2019. Collection method: clinical testing. Allele origin: germline.